The following is an entry in ClinVar:

NM_003924.4(PHOX2B):c.208dup (p.Leu70fs)

Genes: PHOX2B-AS1 (PHOX2B antisense RNA 1; plus strand), PHOX2B (paired like homeobox 2B; minus strand). Cytogenetic location: 4p13.
Variant type: Duplication.
Coding change: c.208dup on transcript NM_003924.4 (MANE Select); coding-DNA position 208, one base duplicated (C; older notation c.208dupC).
Protein change: p.Leu70fs; shifts the reading frame from leucine 70.
Molecular consequence: frameshift variant.
Genome position (GRCh38, 1-based): chr4:41,748,403, G duplicated on the plus strand (C on the coding strand, the reverse complement: PHOX2B is on the minus strand); the first of 3 consecutive G bases (chr4:41,748,403-41,748,405); duplicating any one gives the same sequence. VCF-style (leftmost placement, unchanged base first): chr4-41748402-A-AG. GRCh37 (hg19) VCF-style: chr4-41750419-A-AG.
Other names: c.208dupC (NM_003924.3); short protein forms L70fs.
Identifiers: ClinVar variation 1785711 (VCV001785711.2), dbSNP rs2552097163, ClinGen allele CA2580071034.
Genomic context (GRCh38, chr4:41,748,402, plus strand): 5'-CTCCGCTGAGAAAGCTGAAGGTCCTTACCTGCGGCGTACGGACTGCTCTGGTGGTCCCTG[A>AG]GGGTGCCCAGGCTGCAGGATCCCGGCGTGAGGGAAGGGCAGCCGGACGTGGCCCCAAAAG-3'

ClinVar aggregate classification (germline): Likely pathogenic (1 of 4 stars; one submission).

Conditions:
Hereditary cancer-predisposing syndrome. Also called: Neoplastic Syndromes, Hereditary; Tumor predisposition; Hereditary Cancer Syndrome; Hereditary neoplastic syndrome. Identifiers: Orphanet 140162, MedGen C0027672, MeSH D009386, MONDO:0015356.

Submission:

Ambry Genetics
Classification: Likely pathogenic for Hereditary cancer-predisposing syndrome. Last evaluated: 2022-07-13. Review status: criteria provided, single submitter. Criteria: Ambry Variant Classification Scheme 2023. Collection method: clinical testing. Allele origin: germline.
Comment: The c.208dupC variant, located in coding exon 1 of the PHOX2B gene, results from a duplication of C at nucleotide position 208, causing a translational frameshift with a predicted alternate stop codon (p.L70Pfs*108). This alteration occurs at the 3' terminus of thePHOX2B gene, is not expected to trigger nonsense-mediated mRNA decay, and only impacts the last 43% of the protein. However, premature stop codons are typically deleterious in nature and a significant portion of the protein is affected (Ambry internal data). This variant is considered to be rare based on population cohorts in the Genome Aggregation Database (gnomAD). Based on the majority of available evidence to date, this variant is likely to be pathogenic.